The following is an entry in ClinVar:

NM_001008537.3(NEXMIF):c.2537C>T (p.Thr846Ile)

Gene: NEXMIF (neurite extension and migration factor; minus strand). Cytogenetic location: Xq13.3.
Variant type: single nucleotide variant.
Coding change: c.2537C>T on transcript NM_001008537.3 (MANE Select); coding-DNA position 2537, C replaced by T.
Protein change: p.Thr846Ile; replaces threonine 846 with isoleucine.
Molecular consequence: missense variant.
Genome position (GRCh38, 1-based): chrX:74,742,020, G>A on the plus strand (C>T on the coding strand, the complement: NEXMIF is on the minus strand). VCF-style: chrX-74742020-G-A. GRCh37 (hg19) VCF-style: chrX-73961855-G-A.
Other names: short protein forms T846I.
Identifiers: ClinVar variation 2140618 (VCV002140618.4), dbSNP rs754971972, ClinGen allele CA10455034.

ClinVar aggregate classification (germline): Uncertain significance (1 of 4 stars; one submission).

Allele frequency attached by ClinVar (database versions not stated): 1000 Genomes Project 0.00053; TOPMed 0.00001; ExAC 0.00002; gnomAD 0.00003; 1000 Genomes Project 30x 0.00042.

Submission:

Labcorp Genetics (formerly Invitae), Labcorp
Classification: Uncertain significance. Last evaluated: 2023-06-19. Review status: criteria provided, single submitter. Criteria: Invitae Variant Classification Sherloc (09022015). Collection method: clinical testing. Allele origin: germline.
Comment: In summary, the available evidence is currently insufficient to determine the role of this variant in disease. Therefore, it has been classified as a Variant of Uncertain Significance. An algorithm developed to predict the effect of missense changes on protein structure and function (PolyPhen-2) suggests that this variant is likely to be tolerated. ClinVar contains an entry for this variant (Variation ID: 2140618). This variant has not been reported in the literature in individuals affected with NEXMIF-related conditions. This variant is present in population databases (rs754971972, gnomAD 0.008%), including at least one homozygous and/or hemizygous individual. This sequence change replaces threonine, which is neutral and polar, with isoleucine, which is neutral and non-polar, at codon 846 of the NEXMIF protein (p.Thr846Ile).